The following is an entry in ClinVar:

ClinVar aggregate classification (germline): Uncertain significance (1 of 4 stars; one submission).

Conditions:
Hereditary cancer-predisposing syndrome. Also called: Hereditary neoplastic syndrome; Neoplastic Syndromes, Hereditary; Tumor predisposition; Hereditary Cancer Syndrome. Identifiers: Orphanet 140162, MedGen C0027672, MeSH D009386, MONDO:0015356.

Submission:

Ambry Genetics
Classification: Uncertain significance for Hereditary cancer-predisposing syndrome. Last evaluated: 2025-08-27. Review status: criteria provided, single submitter. Criteria: Ambry Variant Classification Scheme 2023. Collection method: clinical testing. Allele origin: germline.
Comment: The p.Q71H variant (also known as c.213G>T), located in coding exon 3 of the MUTYH gene, results from a G to T substitution at nucleotide position 213. The glutamine at codon 71 is replaced by histidine, an amino acid with highly similar properties. This amino acid position is conserved. In addition, this alteration is predicted to be tolerated by in silico analysis. Based on the available evidence, the clinical significance of this variant remains unclear.

NM_001048174.2(MUTYH):c.129G>T (p.Gln43His)

Gene: MUTYH (mutY DNA glycosylase; minus strand). Cytogenetic location: 1p34.1.
Variant type: single nucleotide variant.
Coding change: c.129G>T on transcript NM_001048174.2 (MANE Select); coding-DNA position 129, G replaced by T.
Protein change: p.Gln43His; replaces glutamine 43 with histidine.
Molecular consequence: missense variant. On other transcripts: 5 prime UTR variant (1), non-coding transcript variant (5), intron variant (5).
Genome position (GRCh38, 1-based): chr1:45,333,548, C>A on the plus strand (G>T on the coding strand, the complement: MUTYH is on the minus strand). VCF-style: chr1-45333548-C-A. GRCh37 (hg19) VCF-style: chr1-45799220-C-A.
Other names: c.129G>T, p.Gln43His (NM_001048171.2, NM_001048173.2, NM_001293195.2 and 6 more transcripts); c.132G>T, p.Gln44His (NM_001048172.2, NM_001407071.1, NM_001407078.1 and 2 more transcripts); c.213G>T, p.Gln71His (NM_001128425.2); c.174G>T, p.Gln58His (NM_001293190.2); c.162G>T, p.Gln54His (NM_001293191.2, NM_001407077.1); c.-143G>T (NM_001350650.2); c.204G>T, p.Gln68His (NM_001407069.1, NM_012222.3); c.171G>T, p.Gln57His (NM_001407073.1, NM_001407083.1, NM_001407085.1); and 4 more; short protein forms Q50H, Q57H, Q58H, Q15H, Q43H, Q44H, Q54H, Q68H.
Identifiers: ClinVar variation 4113508 (VCV004113508.1).